The following is an entry in ClinVar:

ClinVar aggregate classification (germline): Pathogenic (1 of 4 stars; one submission).

Conditions:
Duchenne muscular dystrophy (DMD). Also called: Duchenne Muscular Dystrophy (DMD); MUSCULAR DYSTROPHY, PSEUDOHYPERTROPHIC PROGRESSIVE, DUCHENNE TYPE. Identifiers: Orphanet 98896, MedGen C0013264, MONDO:0010679, OMIM 310200.

Submission:

Labcorp Genetics (formerly Invitae), Labcorp
Classification: Pathogenic for Duchenne muscular dystrophy. Last evaluated: 2019-07-15. Review status: criteria provided, single submitter. Criteria: Invitae Variant Classification Sherloc (09022015). Collection method: clinical testing. Allele origin: germline.
Comment: This variant is a gross deletion of the genomic region encompassing exon 1 of the DMD gene, which includes the initiator codon. The 5' end of this event is unknown as it extends beyond the assayed region for this gene and therefore may encompass additional genes. The 3' boundary is likely confined to intron 1 of the DMD gene. This is expected to result in an absent or disrupted protein product. Deletions involving the promoter and exon 1 have been reported in individuals affected with DMD-related muscular dystrophy (PMID: 18752307, 25076844, 26718981) and in a family affected with dilated cardiomyopathy (PMID: 8361506). Loss-of-function variants in DMD are known to be pathogenic (PMID: 16770791, 25007885). For these reasons, this variant has been classified as Pathogenic.

Literature cited by the submitters: PubMed 18752307; PubMed 26718981; PubMed 8361506; PubMed 25076844.

NC_000023.11:g.(?_33174335)_(33211366_?)del

Gene: DMD (dystrophin; minus strand). Cytogenetic location: Xp21.1.
Variant type: Deletion.
Identifiers: ClinVar variation 831094 (VCV000831094.1).